The following is an entry in ClinVar:

NM_001387220.1(IKZF2):c.228G>A (p.Glu76=)

Gene: IKZF2 (IKAROS family zinc finger 2; minus strand). Cytogenetic location: 2q34.
Variant type: single nucleotide variant.
Coding change: c.228G>A on transcript NM_001387220.1 (MANE Select); coding-DNA position 228, G replaced by A.
Protein change: p.Glu76=; no amino-acid change (glutamic acid 76 retained).
Molecular consequence: synonymous variant.
Genome position (GRCh38, 1-based): chr2:213,057,011, C>T on the plus strand (G>A on the coding strand, the complement: IKZF2 is on the minus strand). VCF-style: chr2-213057011-C-T. GRCh37 (hg19) VCF-style: chr2-213921735-C-T.
Other names: c.228G>A, p.Glu76= (NM_001079526.2, NM_001371274.1, NM_001371275.1 and 2 more transcripts); c.225G>A, p.Glu75= (NM_001371277.1).
Identifiers: ClinVar variation 4874232 (VCV004874232.2).
Genomic context (GRCh38, chr2:213,057,011, plus strand): 5'-GACTTTCCTGTTGTCAGCCACCTCGCTGCTCTCAATTAGGGGTTCTTCTAGGCTGCTACC[C>T]TCATCATGGCCCCTGATCTCATCTTCACGGCTCAGGGGTTTCCTGTCACACTCTTCATCA-3'
Protein context (NP_001374149.1, residues 66-86): SREDEIRGHD[Glu76=]GSSLEEPLIE

ClinVar aggregate classification (germline): Likely benign (1 of 4 stars; one submission).

gnomAD v4.1: 11 of 1,613,832 alleles (0.00068%); highest among the groups gnomAD compares: Admixed American, 0.015%; no homozygotes.

Submission:

CeGaT Center for Human Genetics Tuebingen
Classification: Likely benign. Last evaluated: 2026-05-01. Review status: criteria provided, single submitter. Criteria: CeGaT Center For Human Genetics Tuebingen Variant Classification Criteria Version 2. Collection method: clinical testing. Allele origin: germline. Affected: yes. Observed: 1 variant allele.
Comment: IKZF2: BP4, BP7